The following is an entry in ClinVar:

ClinVar aggregate classification (germline): Uncertain significance (1 of 4 stars; one submission).

gnomAD v4.1: 1 of 1,614,082 alleles (0.000062%); highest among the groups gnomAD compares: Non-Finnish European, 0.000085%; no homozygotes.

Submission:

Women's Health and Genetics/Laboratory Corporation of America, LabCorp
Classification: Uncertain significance. Last evaluated: 2026-05-11. Review status: criteria provided, single submitter. Criteria: LabCorp Variant Classification Summary - May 2015. Collection method: clinical testing. Allele origin: germline.
Comment: Variant summary: FBN1 c.6996T>C (p.Leu2332Leu) alters a conserved nucleotide located close to a canonical splice site and therefore could affect mRNA splicing, leading to a significantly altered protein sequence. Consensus agreement among computation tools predict no significant impact on normal splicing. However, these predictions have yet to be confirmed by functional studies. The variant was absent in 251154 control chromosomes. The available data on variant occurrences in the general population are insufficient to allow any conclusion about variant significance. To our knowledge, no occurrence of c.6996T>C in individuals affected with FBN1-related conditions and no experimental evidence demonstrating its impact on protein function have been reported. No submitters have cited clinical-significance assessments for this variant to ClinVar. Based on the evidence outlined above, the variant was classified as uncertain significance.

NM_000138.5(FBN1):c.6996T>C (p.Leu2332=)

Gene: FBN1 (fibrillin 1; minus strand). Cytogenetic location: 15q21.1.
Variant type: single nucleotide variant.
Coding change: c.6996T>C on transcript NM_000138.5 (MANE Select); coding-DNA position 6996, T replaced by C.
Protein change: p.Leu2332=; no amino-acid change (leucine 2332 retained).
Molecular consequence: synonymous variant.
Genome position (GRCh38, 1-based): chr15:48,428,347, A>G on the plus strand (T>C on the coding strand, the complement: FBN1 is on the minus strand). VCF-style: chr15-48428347-A-G. GRCh37 (hg19) VCF-style: chr15-48720544-A-G.
Other names: c.6996T>C, p.Leu2332= (NM_001406716.1).
Identifiers: ClinVar variation 4853308 (VCV004853308.1).